The following is an entry in ClinVar:

ClinVar aggregate classification (germline): Likely pathogenic. Review status: criteria provided, multiple submitters, no conflicts (2 of 4 stars). 2 submissions from 2 submitters: Likely pathogenic (2). Last evaluated 2024-05-27.

Conditions:
Retinal dystrophy. Also called: Inherited retinal dystrophy. Identifiers: Orphanet 71862, MedGen C0854723, MeSH D058499, MONDO:0019118, HP:0000556.
Retinitis pigmentosa 40 (RP40). Identifiers: Orphanet 791, MedGen C3151107, MONDO:0013429, OMIM 613801.

Allele frequency attached by ClinVar (database versions not stated): gnomAD exomes below 0.00001; ExAC 0.00001.
gnomAD v4.1: 1 of 1,613,126 alleles (0.000062%); highest among the groups gnomAD compares: Non-Finnish European, 0.000085%; no homozygotes.

Submissions (2):

Ophthalmic Genetics Group, Institute of Molecular and Clinical Ophthalmology Basel
Classification: Likely pathogenic for Retinal dystrophy. Last evaluated: 2024-05-27. Review status: criteria provided, single submitter. Criteria: ACMG Guidelines, 2015. Collection method: research. Allele origin: germline. Affected: yes. Observed: 2 variant alleles.
Comment: This variant was classified as Likely pathogenic based on ACMG criteria: PS4_strong, PM2_mod and PP1_strong

Human Genetics, Hazara University Mansehra
Classification: Likely pathogenic for Retinitis pigmentosa 40. Last evaluated: 2022-07-05. Review status: criteria provided, single submitter. Criteria: ACMG Guidelines, 2015. Collection method: research. Allele origin: germline. Inheritance: Autosomal recessive inheritance. Affected: yes. Observed: 2 variant alleles, 2 homozygotes.
Comment: Classified as Likely Pathogenic by ACMG (criteria: PM2 strong).

Literature cited by the submitters: PubMed 40180963 (cited by Ophthalmic Genetics Group, Institute of Molecular and Clinical Ophthalmology Basel).

NM_000283.4(PDE6B):c.1775C>T (p.Thr592Ile)

Gene: PDE6B (phosphodiesterase 6B; plus strand). Cytogenetic location: 4p16.3.
Variant type: single nucleotide variant.
Coding change: c.1775C>T on transcript NM_000283.4 (MANE Select); coding-DNA position 1775, C replaced by T.
Protein change: p.Thr592Ile; replaces threonine 592 with isoleucine.
Molecular consequence: missense variant.
Genome position (GRCh38, 1-based): chr4:662,561, C>T. VCF-style: chr4-662561-C-T. GRCh37 (hg19) VCF-style: chr4-656350-C-T.
Other names: NC_000004.11:g.656350C>T; NP_000274.3:p.(Thr592Ile); c.1775C>T, p.Thr592Ile (NM_001145291.2); c.938C>T, p.Thr313Ile (NM_001145292.2, NM_001350154.3, NM_001379246.1 and 1 more transcripts); c.620C>T, p.Thr207Ile (NM_001350155.3); short protein forms T207I, T313I, T592I.
Identifiers: ClinVar variation 1698713 (VCV001698713.3), dbSNP rs747684283, ClinGen allele CA2794676.